The following is an entry in ClinVar:

ClinVar aggregate classification (germline): Uncertain significance (1 of 4 stars; one submission).

gnomAD v4.1: 2 of 1,483,420 alleles (0.00013%); highest among the groups gnomAD compares: Non-Finnish European, 0.00018%; no homozygotes.

Submission:

Labcorp Genetics (formerly Invitae), Labcorp
Classification: Uncertain significance. Last evaluated: 2024-08-19. Review status: criteria provided, single submitter. Criteria: Invitae Variant Classification Sherloc (09022015). Collection method: clinical testing. Allele origin: germline.
Comment: This sequence change affects a donor splice site in intron 19 of the CAMK2B gene. It is expected to disrupt RNA splicing. Variants that disrupt the donor or acceptor splice site typically lead to a loss of protein function (PMID: 16199547), however the current clinical and genetic evidence is not sufficient to establish whether loss-of-function variants in CAMK2B cause disease. This variant is not present in population databases (gnomAD no frequency). This variant has not been reported in the literature in individuals affected with CAMK2B-related conditions. Algorithms developed to predict the effect of sequence changes on RNA splicing suggest that this variant may disrupt the consensus splice site. In summary, the available evidence is currently insufficient to determine the role of this variant in disease. Therefore, it has been classified as a Variant of Uncertain Significance.

Literature cited by the submitters: PubMed 16199547.

NM_001220.5(CAMK2B):c.1468+1G>T

Gene: CAMK2B (calcium/calmodulin dependent protein kinase II beta; minus strand). Cytogenetic location: 7p13.
Variant type: single nucleotide variant.
Coding change: c.1468+1G>T on transcript NM_001220.5 (MANE Select); the canonical splice donor site of the intron after coding-DNA position 1468, G replaced by T.
Molecular consequence: splice donor variant. On other transcripts: intron variant (8).
Genome position (GRCh38, 1-based): chr7:44,228,795, C>A on the plus strand (G>T on the coding strand, the complement: CAMK2B is on the minus strand). VCF-style: chr7-44228795-C-A. GRCh37 (hg19) VCF-style: chr7-44268394-C-A.
Other names: c.947-7894G>T (NM_172084.3); c.1150+2211G>T (NM_172080.3); c.1036+2211G>T (NM_172083.3); c.1108+2211G>T (NM_172081.3); c.1153+2211G>T (NM_172079.3, NM_172082.3); c.1225+2211G>T (NM_001293170.2, NM_172078.3).
Identifiers: ClinVar variation 3661638 (VCV003661638.2).